The following is an entry in ClinVar:

NM_001329943.3(KIAA0586):c.38del (p.Lys13fs)

Gene: KIAA0586 (KIAA0586; plus strand). Cytogenetic location: 14q23.1.
Variant type: Deletion.
Coding change: c.38del on transcript NM_001329943.3 (MANE Select); coding-DNA position 38, one base deleted (A; older notation c.38delA).
Protein change: p.Lys13fs; shifts the reading frame from lysine 13.
Molecular consequence: frameshift variant. On other transcripts: 5 prime UTR variant (1), intron variant (5).
Genome position (GRCh38, 1-based): chr14:58,428,302, A deleted; the last of 8 consecutive A bases (chr14:58,428,295-58,428,302); deleting any one gives the same sequence. VCF-style (leftmost placement, unchanged base first): chr14-58428294-GA-G. GRCh37 (hg19) VCF-style: chr14-58895012-GA-G.
Other names: c.38delA (NM_014749.3, NM_001329943.3); c.67delA (NM_001244189.2); c.74del, p.Lys25fs (NM_001244189.2); c.-8del (NM_001244190.2); c.38del, p.Lys13fs (NM_001329944.2, NM_001329946.2, NM_001329947.2 and 1 more transcripts); c.-57+665del (NM_001244192.2, NM_001244191.2); c.-57+489del (NM_001364701.2, NM_001329945.2, NM_001364700.1); short protein forms K13fs, K25fs.
Identifiers: ClinVar variation 1175854 (VCV001175854.46), dbSNP rs745949846, ClinGen allele CA7205249.

ClinVar aggregate classification (germline): Pathogenic/Likely pathogenic. Review status: criteria provided, multiple submitters, no conflicts (2 of 4 stars). 8 submissions from 8 submitters: Pathogenic (5); Likely pathogenic (3). Last evaluated 2025-08-14.

Conditions:
KIAA0586-related disorder. Also called: KIAA0586-related condition; KIAA0586- Related disorders.
Short-rib thoracic dysplasia 14 with polydactyly (SRTD14). Identifiers: Orphanet 397715, MedGen C4225286, MONDO:0014688, OMIM 616546.
Joubert syndrome 23 (JBTS23). Identifiers: Orphanet 475, MedGen C4084822, MONDO:0014664, OMIM 616490.
Primary ciliary dyskinesia. Also called: Ciliary dyskinesia. Identifiers: Orphanet 244, MedGen C0008780, MONDO:0016575, HP:0012265.
Inborn genetic diseases. Identifiers: MedGen C0950123, MeSH D030342.

Submissions (8):

Ozbek Human Genetics Laboratory, Izmir Biomedicine and Genome Center
Classification: Pathogenic for Joubert syndrome 23. Last evaluated: 2025-08-14. Review status: criteria provided, single submitter. Criteria: ACMG Guidelines, 2015. Collection method: research. Allele origin: unknown. Affected: yes. Observed: 1 variant allele, 1 homozygote.
Comment: A homozygous frameshift variant, c.38del, was identified in exon 1 of the KIAA0586 gene (NM_001329943.3) (PVS1). This variant is observed at a very low frequency in population databases (PM2). For a recessive condition, it has been detected in a homozygous or compound heterozygous state in affected individuals (PM3). The variant is listed as "Pathogenic" in the ClinVar database (PP5). Based on this evidence, the variant is classified as pathogenic according to ACMG criteria. The KIAA0586 gene is associated with "Joubert Syndrome, 23 (MIM: 616490)" in the OMIM database. Data obtained via the RAREBOOST project (Horizon 2020 ERA Chairs at Izmir Biomedicine and Genome Center - IBG)

Labcorp Genetics (formerly Invitae), Labcorp
Classification: Pathogenic for Joubert syndrome 23; Short-rib thoracic dysplasia 14 with polydactyly. Last evaluated: 2025-07-28. Review status: criteria provided, single submitter. Criteria: Invitae Variant Classification Sherloc (09022015). Collection method: clinical testing. Allele origin: germline.
Comment: This sequence change creates a premature translational stop signal (p.Lys25Argfs*6) in the KIAA0586 gene. It is expected to result in an absent or disrupted protein product. Loss-of-function variants in KIAA0586 are known to be pathogenic (PMID: 26096313, 26166481, 26386044). The frequency data for this variant in the population databases is considered unreliable, as metrics indicate poor data quality at this position in the gnomAD database. This premature translational stop signal has been observed in individual(s) with Joubert Syndrome (PMID: 26026149). It has also been observed to segregate with disease in related individuals. ClinVar contains an entry for this variant (Variation ID: 1175854). For these reasons, this variant has been classified as Pathogenic.

MVZ Martinsried, Medicover Genetics
Classification: Likely pathogenic for Primary ciliary dyskinesia. Last evaluated: 2025-05-15. Review status: criteria provided, single submitter. Criteria: ACGS Guidelines, 2020. Collection method: clinical testing. Allele origin: inherited. Affected: yes. Observed: 1 homozygote.
Comment: PVS1_Strong, PM3_Moderate, PM2_Supporting

Blueprint Genetics
Classification: Likely pathogenic for KIAA0586-related disorders. Last evaluated: 2024-01-11. Review status: criteria provided, single submitter. Criteria: ACMG Guidelines, 2015. Collection method: clinical testing. Allele origin: germline. Affected: yes. Observed: 5 variant alleles.

Payam Genetics Center, General Welfare Department of North Khorasan Province
Classification: Pathogenic for Joubert syndrome 23. Last evaluated: 2023-03-01. Review status: criteria provided, single submitter. Criteria: ACMG Guidelines, 2015. Collection method: clinical testing. Allele origin: germline. Affected: yes. Observed: 1 variant allele.
Comment: The mutation KIAA0586 c.67delA (p.K23fs) results in a truncation or nonfuntional of the encoded protein, which is commonly known mechanisms for disease. This variant is not present in population databases (ExAC no frequency) and was not found in 1000G, Genom AD exome, genome and Iranom. This variant has not been reported in the literature in individuals affected with KIAA0586-related conditions . We classified this variant as Pathogenic according to the our clinical evidance from this patien.

CeGaT Center for Human Genetics Tuebingen
Classification: Pathogenic. Last evaluated: 2022-09-01. Review status: criteria provided, single submitter. Criteria: CeGaT Center For Human Genetics Tuebingen Variant Classification Criteria Version 2. Collection method: clinical testing. Allele origin: germline. Affected: yes. Observed: 4 variant alleles.
Comment: KIAA0586: PVS1, PS4

Victorian Clinical Genetics Services, Murdoch Childrens Research Institute
Classification: Pathogenic for Joubert syndrome 23. Last evaluated: 2022-06-24. Review status: criteria provided, single submitter. Criteria: ACMG Guidelines, 2015. Collection method: clinical testing. Allele origin: germline. Inheritance: Autosomal recessive inheritance.
Comment: Based on the classification scheme VCGS_Germline_v1.3.4, this variant is classified as pathogenic. The following criteria are met: 0102 - Loss of function is a known mechanism of disease in this gene and is associated with Joubert syndrome 23 (MIM#616490) and short-rib thoracic dysplasia 14 with polydactyly (MIM#616546). (I) 0106 - This gene is associated with autosomal recessive disease. (I) 0204 - Variant is predicted to result in a premature termination codon located within the first 102 nucleotides of the coding sequence and is predicted to escape nonsense-mediated decay. (SP) 0251 - This variant is heterozygous. (I) 0304 - Variant is present in gnomAD <0.01 for a recessive condition (v2) (4 heterozygotes, 0 homozygotes). (SP) 0802 - This variant has moderate previous evidence of pathogenicity in unrelated individuals. This variant has been reported as pathogenic in individuals with Joubert syndrome (ClinVar, LOVD, PMID: 26026149). (SP) 0902 - This variant has moderate evidence for segregation with disease. This variant has been reported to segregate with Joubert syndrome in a consanguineous Turkish family with three affected siblings (PMID: 26026149). (SP) 1007 - No published functional evidence has been identified for this variant. (I) 0703 - Two other variants comparable to the one identified in this case have moderate previous evidence for pathogenicity (ClinVar). (SP) Legend: (SP) - Supporting pathogenic, (I) - Information, (SB) - Supporting benign

Ambry Genetics
Classification: Likely pathogenic for Inborn genetic diseases. Last evaluated: 2022-01-20. Review status: criteria provided, single submitter. Criteria: Ambry Variant Classification Scheme 2023. Collection method: clinical testing. Allele origin: germline.
Comment: The c.38delA (p.K13Rfs*6) alteration, located in exon 1 (coding exon 1) of the KIAA0586 gene, consists of a deletion of one nucleotide at position 38, causing a translational frameshift with a predicted alternate stop codon after 6 amino acids. The predicted stop codon occurs in the 5' end of the KIAA0586 gene. Premature termination codons in the 5&rsquo; end of a gene have been reported to escape nonsense-mediated mRNA decay and/or lead to re-initiation (Rivas, 2015; Lindeboom, 2016; Rhee, 2017). Direct evidence for this alteration is unavailable; however, premature termination codons are typically deleterious in nature. This alteration has been reported in the homozygous state in a patient with Joubert syndrome (Roosing, 2015). Based on the available evidence, this alteration is classified as likely pathogenic.

Literature cited by the submitters: PubMed 26096313 (cited by Labcorp Genetics (formerly Invitae), Labcorp); PubMed 26166481 (cited by Labcorp Genetics (formerly Invitae), Labcorp); PubMed 26386044 (cited by Labcorp Genetics (formerly Invitae), Labcorp); PubMed 26026149 (cited by 3 submitters); PubMed 25954003 (cited by Ambry Genetics); PubMed 27618451 (cited by Ambry Genetics); PubMed 28490743 (cited by Ambry Genetics).